The following is an entry in ClinVar:

NM_005188.4(CBL):c.1439G>A (p.Arg480Gln)

Gene: CBL (Cbl proto-oncogene; plus strand). Cytogenetic location: 11q23.3.
Variant type: single nucleotide variant.
Coding change: c.1439G>A on transcript NM_005188.4 (MANE Select); coding-DNA position 1439, G replaced by A.
Protein change: p.Arg480Gln; replaces arginine 480 with glutamine.
Molecular consequence: missense variant.
Genome position (GRCh38, 1-based): chr11:119,284,976, G>A. VCF-style: chr11-119284976-G-A. GRCh37 (hg19) VCF-style: chr11-119155686-G-A.
Other names: c.1439G>A (NM_005188.2); short protein forms R480Q.
Identifiers: ClinVar variation 1685255 (VCV001685255.4), dbSNP rs1949969239, ClinGen allele CA382917677.
Genomic context (GRCh38, chr11:119,284,976, plus strand): 5'-AGATGCCATTTCCCCAAACGAAAGTAATCTGTTAAATTTTTTATGTACCCTAGGTGGAAC[G>A]GCCGCCTTCTCCATTCTCCATGGCCCCACAAGCTTCCCTTCCCCCGGTGCCACCACGACT-3'
Protein context (NP_005179.2, residues 470-490): MKELAGAKVE[Arg480Gln]PPSPFSMAPQ

ClinVar aggregate classification (germline): Conflicting classifications of pathogenicity. Review status: criteria provided, conflicting classifications (1 of 4 stars). 3 submissions from 3 submitters: Likely pathogenic (1); Uncertain significance (2). Last evaluated 2024-07-25.

Conditions:
Cardiovascular phenotype. Identifiers: MedGen CN230736.
Juvenile myelomonocytic leukemia (JMML). Also called: LEUKEMIA, JUVENILE MYELOMONOCYTIC, SOMATIC. Identifiers: Orphanet 86834, MedGen C0349639, MONDO:0011908, OMIM 607785, HP:0012209.

Allele frequency attached by ClinVar (database versions not stated): TOPMed below 0.00001.

Submissions (3):

GeneDx
Classification: Uncertain significance. Last evaluated: 2024-07-25. Review status: criteria provided, single submitter. Criteria: GeneDx Variant Classification Process June 2021. Collection method: clinical testing. Allele origin: germline. Affected: yes.
Comment: Not observed at significant frequency in large population cohorts (gnomAD); In silico analysis indicates that this missense variant does not alter protein structure/function; Has not been previously published as pathogenic or benign to our knowledge; This variant is associated with the following publications: (PMID: 20619386)

Ambry Genetics
Classification: Uncertain significance for Cardiovascular phenotype. Last evaluated: 2023-03-24. Review status: criteria provided, single submitter. Criteria: Ambry Variant Classification Scheme 2023. Collection method: clinical testing. Allele origin: germline.
Comment: The p.R480Q variant (also known as c.1439G>A), located in coding exon 10 of the CBL gene, results from a G to A substitution at nucleotide position 1439. The arginine at codon 480 is replaced by glutamine, an amino acid with highly similar properties. This amino acid position is conserved. In addition, the in silico prediction for this alteration is inconclusive. Since supporting evidence is limited at this time, the clinical significance of this alteration remains unclear.

Mendelics
Classification: Likely pathogenic for Juvenile myelomonocytic leukemia. Last evaluated: 2022-05-04. Review status: criteria provided, single submitter. Criteria: Mendelics Assertion Criteria 2019. Collection method: clinical testing. Allele origin: germline.